The following is an entry in ClinVar:

NM_015922.3(NSDHL):c.65C>T (p.Thr22Ile)

Gene: NSDHL (NAD(P) dependent 3-beta-hydroxysteroid dehydrogenase NSDHL; plus strand). Cytogenetic location: Xq28.
Variant type: single nucleotide variant.
Coding change: c.65C>T on transcript NM_015922.3 (MANE Select); coding-DNA position 65, C replaced by T.
Protein change: p.Thr22Ile; replaces threonine 22 with isoleucine.
Molecular consequence: missense variant.
Genome position (GRCh38, 1-based): chrX:152,846,389, C>T. VCF-style: chrX-152846389-C-T. GRCh37 (hg19) VCF-style: chrX-152014933-C-T.
Other names: c.65C>T, p.Thr22Ile (NM_001129765.2); short protein forms T22I.
Identifiers: ClinVar variation 95745 (VCV000095745.59), dbSNP rs375100066, ClinGen allele CA223242.

ClinVar aggregate classification (germline): Conflicting classifications of pathogenicity. Review status: criteria provided, conflicting classifications (1 of 4 stars). 8 submissions from 8 submitters: Uncertain significance (1); Benign (1); Likely benign (4). 2 of the submissions do not count toward it. Last evaluated 2026-01-15.

Conditions:
Connective tissue disorder. Also called: Connective tissue disease. Identifiers: MedGen C0009782, MONDO:0003900.
Inborn genetic diseases. Identifiers: MedGen C0950123, MeSH D030342.

Allele frequency attached by ClinVar (database versions not stated): gnomAD exomes 0.00016 and 0.00008; 1000 Genomes Project 30x 0.00125; ExAC 0.00013; ESP Exome Variant Server 0.00028; gnomAD 0.00050 and 0.00051; TOPMed 0.00066; 1000 Genomes Project 0.00079.
gnomAD v4.1: 149 of 1,208,114 alleles (0.012%); highest among the groups gnomAD compares: African/African-American, 0.19%; 1 homozygote.

Submissions (8):

Labcorp Genetics (formerly Invitae), Labcorp
Classification: Likely benign. Last evaluated: 2026-01-15. Review status: criteria provided, single submitter. Criteria: Invitae Variant Classification Sherloc (09022015). Collection method: clinical testing. Allele origin: germline.

CeGaT Center for Human Genetics Tuebingen
Classification: Likely benign. Last evaluated: 2024-10-01. Review status: criteria provided, single submitter. Criteria: CeGaT Center For Human Genetics Tuebingen Variant Classification Criteria Version 2. Collection method: clinical testing. Allele origin: germline. Affected: yes. Observed: 2 variant alleles.
Comment: NSDHL: BP4, BS2

Blueprint Genetics
Classification: Likely benign. Last evaluated: 2024-09-24. Review status: criteria provided, single submitter. Criteria: ACMG Guidelines, 2015. Collection method: clinical testing. Allele origin: germline.

Ambry Genetics
Classification: Benign for Inborn genetic diseases. Last evaluated: 2022-02-25. Review status: criteria provided, single submitter. Criteria: Ambry Variant Classification Scheme 2023. Collection method: clinical testing. Allele origin: germline.

Genome Diagnostics Laboratory, The Hospital for Sick Children
Classification: Likely benign for Connective tissue disorder. Last evaluated: 2019-07-01. Review status: criteria provided, single submitter. Criteria: ACMG Guidelines, 2015. Collection method: clinical testing. Allele origin: germline.

Eurofins Ntd Llc (ga)
Classification: Uncertain significance. Last evaluated: 2013-07-30. Review status: criteria provided, single submitter. Criteria: EGL Classification Definitions 2015. Collection method: clinical testing. Allele origin: germline. Observed: 2 variant alleles, 1 heterozygote, 1 hemizygote.

Clinical Genetics DNA and cytogenetics Diagnostics Lab, Erasmus MC, Erasmus Medical Center
Classification: Likely benign. Review status: no assertion criteria provided. Collection method: clinical testing. Allele origin: germline. Affected: yes. Study: VKGL Data-share Consensus. Not counted in ClinVar's aggregate classification.

Laboratory of Diagnostic Genome Analysis, Leiden University Medical Center (LUMC)
Classification: Likely benign. Review status: no assertion criteria provided. Collection method: clinical testing. Allele origin: germline. Affected: yes. Study: VKGL Data-share Consensus. Not counted in ClinVar's aggregate classification.